The following is an entry in ClinVar:

ClinVar aggregate classification (germline): Uncertain significance (1 of 4 stars; one submission).

Conditions:
Axenfeld-Rieger syndrome type 3 (RIEG3). Also called: AXENFELD-RIEGER ANOMALY WITH CARDIAC DEFECTS AND/OR SENSORINEURAL HEARING LOSS. Identifiers: Orphanet 782, MedGen C2678503, MONDO:0011233, OMIM 602482.

gnomAD v4.1: 9 of 1,405,888 alleles (0.00064%); highest among the groups gnomAD compares: Non-Finnish European, 0.00074%; no homozygotes.

Submission:

Labcorp Genetics (formerly Invitae), Labcorp
Classification: Uncertain significance for Axenfeld-Rieger syndrome type 3. Last evaluated: 2021-12-02. Review status: criteria provided, single submitter. Criteria: Invitae Variant Classification Sherloc (09022015). Collection method: clinical testing. Allele origin: germline.
Comment: This variant has not been reported in the literature in individuals affected with FOXC1-related conditions. Algorithms developed to predict the effect of missense changes on protein structure and function output the following: SIFT: "Tolerated"; PolyPhen-2: "Benign"; Align-GVGD: "Class C0". The serine amino acid residue is found in multiple mammalian species, which suggests that this missense change does not adversely affect protein function. In summary, the available evidence is currently insufficient to determine the role of this variant in disease. Therefore, it has been classified as a Variant of Uncertain Significance. This variant is not present in population databases (gnomAD no frequency). This sequence change replaces glycine, which is neutral and non-polar, with serine, which is neutral and polar, at codon 331 of the FOXC1 protein (p.Gly331Ser).

NM_001453.3(FOXC1):c.991G>A (p.Gly331Ser)

Gene: FOXC1 (forkhead box C1; plus strand). Cytogenetic location: 6p25.3.
Variant type: single nucleotide variant.
Coding change: c.991G>A on transcript NM_001453.3 (MANE Select); coding-DNA position 991, G replaced by A.
Protein change: p.Gly331Ser; replaces glycine 331 with serine.
Molecular consequence: missense variant.
Genome position (GRCh38, 1-based): chr6:1,611,436, G>A. VCF-style: chr6-1611436-G-A. GRCh37 (hg19) VCF-style: chr6-1611671-G-A.
Other names: short protein forms G331S.
Identifiers: ClinVar variation 1525439 (VCV001525439.8), dbSNP rs1242365822, ClinGen allele CA362560001.